The following is an entry in ClinVar:

ClinVar aggregate classification (germline): Uncertain significance (1 of 4 stars; one submission).

Submission:

GeneDx
Classification: Uncertain significance. Last evaluated: 2025-06-05. Review status: criteria provided, single submitter. Criteria: GeneDx Variant Classification Process June 2021. Collection method: clinical testing. Allele origin: germline. Affected: yes.
Comment: Not observed at significant frequency in large population cohorts (gnomAD); Missense variant in a gene in which most reported pathogenic variants are truncating/loss of function; Has not been previously published as pathogenic or benign to our knowledge

NM_001267550.2(TTN):c.88385C>A (p.Ala29462Asp)

Genes: TTN (titin; minus strand), TTN-AS1 (TTN antisense RNA 1; plus strand). Cytogenetic location: 2q31.2.
Variant type: single nucleotide variant.
Coding change: c.88385C>A on transcript NM_001267550.2 (MANE Select); coding-DNA position 88385, C replaced by A.
Protein change: p.Ala29462Asp; replaces alanine 29462 with aspartic acid.
Molecular consequence: missense variant.
Genome position (GRCh38, 1-based): chr2:178,555,074, G>T on the plus strand (C>A on the coding strand, the complement: TTN is on the minus strand). VCF-style: chr2-178555074-G-T. GRCh37 (hg19) VCF-style: chr2-179419801-G-T.
Other names: c.83462C>A, p.Ala27821Asp (NM_001256850.1); c.61190C>A, p.Ala20397Asp (NM_003319.4); c.80681C>A, p.Ala26894Asp (NM_133378.4); c.61565C>A, p.Ala20522Asp (NM_133432.3); c.61766C>A, p.Ala20589Asp (NM_133437.4); short protein forms A20397D, A20522D, A20589D, A26894D, A27821D, A29462D.
Identifiers: ClinVar variation 4536557 (VCV004536557.1).